The following is an entry in ClinVar:

NM_001042492.3(NF1):c.5768C>T (p.Thr1923Met)

Gene: NF1 (neurofibromin 1; plus strand). Cytogenetic location: 17q11.2.
Variant type: single nucleotide variant.
Coding change: c.5768C>T on transcript NM_001042492.3 (MANE Select); coding-DNA position 5768, C replaced by T.
Protein change: p.Thr1923Met; replaces threonine 1923 with methionine.
Molecular consequence: missense variant.
Genome position (GRCh38, 1-based): chr17:31,330,454, C>T. VCF-style: chr17-31330454-C-T. GRCh37 (hg19) VCF-style: chr17-29657472-C-T.
Other names: c.5705C>T, p.Thr1902Met (NM_000267.4); short protein forms T1902M, T1923M.
Identifiers: ClinVar variation 187560 (VCV000187560.17), dbSNP rs786203824, ClinGen allele CA197956.

ClinVar aggregate classification (germline): Uncertain significance. Review status: criteria provided, multiple submitters, no conflicts (2 of 4 stars). 7 submissions from 6 submitters: Uncertain significance (6). 1 of the submissions does not count toward it. Last evaluated 2023-09-22.

Conditions:
Hereditary cancer-predisposing syndrome. Also called: Hereditary Cancer Syndrome; Neoplastic Syndromes, Hereditary; Tumor predisposition; Hereditary neoplastic syndrome. Identifiers: Orphanet 140162, MedGen C0027672, MeSH D009386, MONDO:0015356.
Cardiovascular phenotype. Identifiers: MedGen CN230736.
Juvenile myelomonocytic leukemia (JMML). Also called: LEUKEMIA, JUVENILE MYELOMONOCYTIC, SOMATIC. Identifiers: Orphanet 86834, MedGen C0349639, MONDO:0011908, OMIM 607785, HP:0012209.
Neurofibromatosis-Noonan syndrome (NFNS). Also called: NEUROFIBROMATOSIS WITH NOONAN PHENOTYPE. Identifiers: Orphanet 638, MedGen C2931482, MONDO:0011035, OMIM 601321. Disease mechanism: loss of function.
Neurofibromatosis, type 1 (NF1). Also called: NEUROFIBROMATOSIS, TYPE I, SOMATIC; VON RECKLINGHAUSEN DISEASE; Peripheral type neurofibromatosis; Neurofibromatosis, type I. Identifiers: Orphanet 636, MedGen C0027831, MONDO:0018975, OMIM 162200. Disease mechanism: loss of function.

Allele frequency attached by ClinVar (database versions not stated): gnomAD exomes below 0.00001; gnomAD 0.00001.
gnomAD v4.1: 4 of 1,613,624 alleles (0.00025%); highest among the groups gnomAD compares: Admixed American, 0.0017%; no homozygotes.

Submissions (7):

Baylor Genetics
Classification: Uncertain significance for Juvenile myelomonocytic leukemia. Last evaluated: 2023-09-22. Review status: criteria provided, single submitter. Criteria: ACMG Guidelines, 2015. Collection method: clinical testing. Allele origin: unknown.

Labcorp Genetics (formerly Invitae), Labcorp
Classification: Uncertain significance for Neurofibromatosis, type 1. Last evaluated: 2023-03-21. Review status: criteria provided, single submitter. Criteria: Invitae Variant Classification Sherloc (09022015). Collection method: clinical testing. Allele origin: germline.
Comment: This variant has not been reported in the literature in individuals affected with NF1-related conditions. This sequence change replaces threonine, which is neutral and polar, with methionine, which is neutral and non-polar, at codon 1902 of the NF1 protein (p.Thr1902Met). This variant is present in population databases (rs786203824, gnomAD 0.1%). ClinVar contains an entry for this variant (Variation ID: 187560). Advanced modeling of protein sequence and biophysical properties (such as structural, functional, and spatial information, amino acid conservation, physicochemical variation, residue mobility, and thermodynamic stability) performed at Invitae indicates that this missense variant is expected to disrupt NF1 protein function. In summary, the available evidence is currently insufficient to determine the role of this variant in disease. Therefore, it has been classified as a Variant of Uncertain Significance.

GeneDx
Classification: Uncertain significance. Last evaluated: 2022-07-14. Review status: criteria provided, single submitter. Criteria: GeneDx Variant Classification Process June 2021. Collection method: clinical testing. Allele origin: germline. Affected: yes.
Comment: In silico analysis supports that this missense variant has a deleterious effect on protein structure/function; Absent from cases but present in controls in a breast cancer case-control study (Momozawa et al., 2018); This variant is associated with the following publications: (PMID: 30287823)

Genome-Nilou Lab
Classification: Uncertain significance for Neurofibromatosis, type 1. Last evaluated: 2022-03-15. Review status: criteria provided, single submitter. Criteria: ACMG Guidelines, 2015. Collection method: clinical testing. Allele origin: germline. Affected: no.

Ambry Genetics
Classification: Uncertain significance for Cardiovascular phenotype; Hereditary cancer-predisposing syndrome. Last evaluated: 2016-08-01. Review status: criteria provided, single submitter. Criteria: Ambry Variant Classification Scheme 2023. Collection method: clinical testing. Allele origin: germline.

Ambry Genetics
Classification: Uncertain significance for Hereditary cancer-predisposing syndrome. Last evaluated: 2014-12-12. Review status: criteria provided, single submitter. Criteria: Ambry Autosomal Dominant and X-Linked criteria (10/2015). Collection method: clinical testing. Allele origin: germline. Observed: 1 variant allele.
Comment: Thep.T1923Mvariant (also known as c.5768C>T), located in coding exon 39 of theNF1gene, results from a C to T substitution at nucleotide position 5768. The threonine at codon 1923 is replaced by methionine, an amino acid with similar properties. This variant was not reported in population based cohorts in the following databases: Database of Single Nucleotide Polymorphisms (dbSNP), NHLBI Exome Sequencing Project (ESP), and 1000 Genomes Project. In the ESP, this variant was not observed in 6503 samples (13006 alleles) with coverage at this position. To date, this alteration has been detected with an allele frequency of approximately 0.003% (greater than 30000 alleles tested) in our clinical cohort. This amino acid position is highly conserved in available vertebrate species. In addition, this alteration is predicted to be deleterious by in silico analysis. Since supporting evidence is limited at this time, the clinical significance of p.T1923M remains unclear.

Center for Molecular Medicine, Children’s Hospital of Fudan University
Classification: Pathogenic for Neurofibromatosis-Noonan syndrome. Last evaluated: 2022-02-08. Review status: no assertion criteria provided. Collection method: clinical testing. Allele origin: unknown. Affected: yes. Not counted in ClinVar's aggregate classification.

Literature cited by the submitters: PubMed 30287823 (cited by Center for Molecular Medicine, Children’s Hospital of Fudan University).